The following is an entry in ClinVar:

ClinVar aggregate classification (germline): Uncertain significance. Review status: criteria provided, multiple submitters, no conflicts (2 of 4 stars). 7 submissions from 7 submitters: Uncertain significance (4). 3 of the submissions do not count toward it. Last evaluated 2026-02-18.

Conditions:
USH2A-related disorder. Also called: USH2A-related disorders; USH2A-related condition. Identifiers: MedGen CN239332.
Usher syndrome type 2A. Also called: USHER SYNDROME, TYPE IIA; RETINAL DISEASE IN USHER SYNDROME TYPE IIA, MODIFIER OF. Identifiers: Orphanet 231178, Orphanet 886, MedGen C1848634, MONDO:0010169, OMIM 276901.

Allele frequency attached by ClinVar (database versions not stated): gnomAD exomes below 0.00001; TOPMed below 0.00001.
gnomAD v4.1: 9 of 1,614,196 alleles (0.00056%); highest among the groups gnomAD compares: Middle Eastern, 0.033%; no homozygotes.

Submissions (7):

PreventionGenetics, part of Exact Sciences
Classification: Uncertain significance for USH2A-related condition. Last evaluated: 2026-02-18. Review status: criteria provided, single submitter. Criteria: ACMG Guidelines, 2015. Collection method: clinical testing. Allele origin: germline.
Comment: The USH2A c.12910G>A variant is predicted to result in the amino acid substitution p.Glu4304Lys. To our knowledge, this variant has not been reported in the literature or in a large population database (gnomAD), indicating this variant is rare. At this time, the clinical significance of this variant is uncertain due to the absence of conclusive functional and genetic evidence.

Labcorp Genetics (formerly Invitae), Labcorp
Classification: Uncertain significance. Last evaluated: 2025-01-15. Review status: criteria provided, single submitter. Criteria: Invitae Variant Classification Sherloc (09022015). Collection method: clinical testing. Allele origin: germline.
Comment: This sequence change replaces glutamic acid, which is acidic and polar, with lysine, which is basic and polar, at codon 4304 of the USH2A protein (p.Glu4304Lys). This variant is not present in population databases (gnomAD no frequency). This variant has not been reported in the literature in individuals affected with USH2A-related conditions. ClinVar contains an entry for this variant (Variation ID: 1036386). Invitae Evidence Modeling of protein sequence and biophysical properties (such as structural, functional, and spatial information, amino acid conservation, physicochemical variation, residue mobility, and thermodynamic stability) indicates that this missense variant is not expected to disrupt USH2A protein function with a negative predictive value of 95%. In summary, the available evidence is currently insufficient to determine the role of this variant in disease. Therefore, it has been classified as a Variant of Uncertain Significance.

CeGaT Center for Human Genetics Tuebingen
Classification: Uncertain significance. Last evaluated: 2024-05-01. Review status: criteria provided, single submitter. Criteria: CeGaT Center For Human Genetics Tuebingen Variant Classification Criteria Version 2. Collection method: clinical testing. Allele origin: germline. Affected: yes. Observed: 1 variant allele.
Comment: USH2A: PM2, BP4

Blueprint Genetics
Classification: Uncertain significance. Last evaluated: 2022-12-21. Review status: criteria provided, single submitter. Criteria: ACMG Guidelines, 2015. Collection method: clinical testing. Allele origin: germline.

Natera, Inc.
Classification: Uncertain significance for Usher syndrome type 2A. Last evaluated: 2020-03-17. Review status: no assertion criteria provided. Collection method: clinical testing. Allele origin: germline. Not counted in ClinVar's aggregate classification.

Clinical Genetics DNA and cytogenetics Diagnostics Lab, Erasmus MC, Erasmus Medical Center
Classification: Uncertain significance. Review status: no assertion criteria provided. Collection method: clinical testing. Allele origin: germline. Affected: yes. Study: VKGL Data-share Consensus. Not counted in ClinVar's aggregate classification.

Clinical Genetics, Academic Medical Center
Classification: Uncertain significance. Review status: no assertion criteria provided. Collection method: clinical testing. Allele origin: germline. Affected: yes. Study: VKGL Data-share Consensus. Not counted in ClinVar's aggregate classification.

NM_206933.4(USH2A):c.12910G>A (p.Glu4304Lys)

Gene: USH2A (usherin; minus strand). Cytogenetic location: 1q41.
Variant type: single nucleotide variant.
Coding change: c.12910G>A on transcript NM_206933.4 (MANE Select); coding-DNA position 12910, G replaced by A.
Protein change: p.Glu4304Lys; replaces glutamic acid 4304 with lysine.
Molecular consequence: missense variant.
Genome position (GRCh38, 1-based): chr1:215,675,001, C>T on the plus strand (G>A on the coding strand, the complement: USH2A is on the minus strand). VCF-style: chr1-215675001-C-T. GRCh37 (hg19) VCF-style: chr1-215848343-C-T.
Other names: c.12910G>A (NM_206933.2); short protein forms E4304K.
Identifiers: ClinVar variation 1036386 (VCV001036386.28), dbSNP rs1657961774, ClinGen allele CA344848331.